The following is an entry in ClinVar:

NM_015001.3(SPEN):c.6021T>A (p.Asp2007Glu)

Gene: SPEN (spen family transcriptional repressor; plus strand). Cytogenetic location: 1p36.13.
Variant type: single nucleotide variant.
Coding change: c.6021T>A on transcript NM_015001.3 (MANE Select); coding-DNA position 6021, T replaced by A.
Protein change: p.Asp2007Glu; replaces aspartic acid 2007 with glutamic acid.
Molecular consequence: missense variant.
Genome position (GRCh38, 1-based): chr1:15,932,261, T>A. VCF-style: chr1-15932261-T-A. GRCh37 (hg19) VCF-style: chr1-16258756-T-A.
Other names: c.6021T>A (NM_015001.2); short protein forms D2007E.
Identifiers: ClinVar variation 2498394 (VCV002498394.29), dbSNP rs61749275, ClinGen allele CA619845.

ClinVar aggregate classification (germline): Benign. Review status: criteria provided, single submitter (1 of 4 stars). 2 submissions from 2 submitters: Benign (1). 1 of the submissions does not count toward it. Last evaluated 2026-07-01.

Conditions:
SPEN-related disorder. Also called: SPEN-related condition.

Allele frequency attached by ClinVar (database versions not stated): 1000 Genomes Project 30x 0.00172; 1000 Genomes Project 0.00180; TOPMed 0.00441; gnomAD 0.00461; ExAC 0.00470; ESP Exome Variant Server 0.00584; gnomAD exomes 0.00684.

Submissions (2):

CeGaT Center for Human Genetics Tuebingen
Classification: Benign. Last evaluated: 2026-07-01. Review status: criteria provided, single submitter. Criteria: CeGaT Center For Human Genetics Tuebingen Variant Classification Criteria Version 2. Collection method: clinical testing. Allele origin: germline. Affected: yes. Observed: 26 variant alleles.
Comment: SPEN: BP4, BS1, BS2

PreventionGenetics, part of Exact Sciences
Classification: Likely benign for SPEN-related condition. Last evaluated: 2024-04-25. Review status: no assertion criteria provided. Collection method: clinical testing. Allele origin: germline. Not counted in ClinVar's aggregate classification.
Comment: This variant is classified as likely benign based on ACMG/AMP sequence variant interpretation guidelines (Richards et al. 2015 PMID: 25741868, with internal and published modifications).